The following is an entry in ClinVar:

ClinVar aggregate classification (germline): Uncertain significance. Review status: criteria provided, multiple submitters, no conflicts (2 of 4 stars). 2 submissions from 2 submitters: Uncertain significance (2). Last evaluated 2025-09-24.

Conditions:
TRIO-related disorder. Also called: TRIO-related condition; TRIO-related disorders.

Submissions (2):

GeneDx
Classification: Uncertain significance. Last evaluated: 2025-09-24. Review status: criteria provided, single submitter. Criteria: GeneDx Variant Classification Process June 2021. Collection method: clinical testing. Allele origin: germline.
Comment: Not observed at significant frequency in large population cohorts (gnomAD); In silico analysis supports that this missense variant has a deleterious effect on protein structure/function; Has not been previously published as pathogenic or benign to our knowledge

PreventionGenetics, part of Exact Sciences
Classification: Uncertain significance for TRIO-related condition. Last evaluated: 2023-06-30. Review status: criteria provided, single submitter. Criteria: ACMG Guidelines, 2015. Collection method: clinical testing. Allele origin: germline.
Comment: The TRIO c.1954C>G variant is predicted to result in the amino acid substitution p.Leu652Val. To our knowledge, this variant has not been reported in the literature or in a large population database, indicating this variant is rare. At this time, the clinical significance of this variant is uncertain due to the absence of conclusive functional and genetic evidence.

NM_007118.4(TRIO):c.1954C>G (p.Leu652Val)

Gene: TRIO (trio Rho guanine nucleotide exchange factor; plus strand). Cytogenetic location: 5p15.2.
Variant type: single nucleotide variant.
Coding change: c.1954C>G on transcript NM_007118.4 (MANE Select); coding-DNA position 1954, C replaced by G.
Protein change: p.Leu652Val; replaces leucine 652 with valine.
Molecular consequence: missense variant. On other transcripts: non-coding transcript variant (1).
Genome position (GRCh38, 1-based): chr5:14,336,635, C>G. VCF-style: chr5-14336635-C-G. GRCh37 (hg19) VCF-style: chr5-14336744-C-G.
Other names: c.1954C>G (NM_007118.2); short protein forms L652V.
Identifiers: ClinVar variation 2632435 (VCV002632435.3), dbSNP rs1483796176, ClinGen allele CA359193933.
Genomic context (GRCh38, chr5:14,336,635, plus strand): 5'-GAACAGCTGGCTCAGACTGGGGAATGTGACCCCGAAGAGATTTATCAGGCTGCCCATCAG[C>G]TGGAAGACCGGATTCAAGATTTCGTTCGGCGTGTTGAGCAGCGAAAGATCCTACTGGACA-3'
Protein context (NP_009049.2, residues 642-662): PEEIYQAAHQ[Leu652Val]EDRIQDFVRR